The following is an entry in ClinVar:

ClinVar aggregate classification (germline): Uncertain significance (0 of 4 stars; one submission).

Conditions:
TUB-related disorder. Also called: TUB-related condition.

Submission:

PreventionGenetics, part of Exact Sciences
Classification: Uncertain significance for TUB-related condition. Last evaluated: 2024-05-24. Review status: no assertion criteria provided. Collection method: clinical testing. Allele origin: germline.
Comment: The TUB c.23A>C variant is predicted to result in the amino acid substitution p.Asp8Ala. To our knowledge, this variant has not been reported in the literature. This variant is reported in 0.0029% of alleles in individuals of European (Non-Finnish) descent in gnomAD. At this time, the clinical significance of this variant is uncertain due to the absence of conclusive functional and genetic evidence.

NM_177972.3(TUB):c.23A>C (p.Asp8Ala)

Gene: TUB (TUB bipartite transcription factor; plus strand). Cytogenetic location: 11p15.4.
Variant type: single nucleotide variant.
Coding change: c.23A>C on transcript NM_177972.3 (MANE Select); coding-DNA position 23, A replaced by C.
Protein change: p.Asp8Ala; replaces aspartic acid 8 with alanine.
Molecular consequence: missense variant. On other transcripts: intron variant (1).
Genome position (GRCh38, 1-based): chr11:8,081,533, A>C. VCF-style: chr11-8081533-A-C. GRCh37 (hg19) VCF-style: chr11-8103080-A-C.
Other names: c.204-8077A>C (NM_003320.5); short protein forms D8A.
Identifiers: ClinVar variation 3357061 (VCV003357061.1).
Genomic context (GRCh38, chr11:8,081,533, plus strand): 5'-CCTCCAGAGCCGCAGCCACCGCCCCGCCCCCGAGAGACATGACTTCCAAGCCGCATTCCG[A>C]CTGGATTCCCTACAGGTACGCGGGCGCCGGGCCGGGGCGCCCACCACTCCCGACTCGGGA-3'
Protein context (NP_813977.1, residues 1-18): MTSKPHS[Asp8Ala]WIPYSVLDDE